The following is an entry in ClinVar:

NM_006767.4(LZTR1):c.1150C>T (p.Leu384=)

Gene: LZTR1 (leucine zipper like post translational regulator 1; plus strand). Cytogenetic location: 22q11.21.
Variant type: single nucleotide variant.
Coding change: c.1150C>T on transcript NM_006767.4 (MANE Select); coding-DNA position 1150, C replaced by T.
Protein change: p.Leu384=; no amino-acid change (leucine 384 retained).
Molecular consequence: synonymous variant.
Genome position (GRCh38, 1-based): chr22:20,992,794, C>T. VCF-style: chr22-20992794-C-T. GRCh37 (hg19) VCF-style: chr22-21347083-C-T.
Other names: c.1150C>T (NM_006767.3).
Identifiers: ClinVar variation 3711548 (VCV003711548.3).

ClinVar aggregate classification (germline): Conflicting classifications of pathogenicity. Review status: criteria provided, conflicting classifications (1 of 4 stars). 2 submissions from 2 submitters: Uncertain significance (1); Likely benign (1). Last evaluated 2025-02-08.

Conditions:
Hereditary cancer-predisposing syndrome. Also called: Hereditary neoplastic syndrome; Neoplastic Syndromes, Hereditary; Hereditary Cancer Syndrome; Tumor predisposition. Identifiers: Orphanet 140162, MedGen C0027672, MeSH D009386, MONDO:0015356.
Cardiovascular phenotype. Identifiers: MedGen CN230736.

Submissions (2):

Ambry Genetics
Classification: Likely benign for Cardiovascular phenotype; Hereditary cancer-predisposing syndrome. Last evaluated: 2025-02-08. Review status: criteria provided, single submitter. Criteria: Ambry Variant Classification Scheme 2023. Collection method: clinical testing. Allele origin: germline.

Labcorp Genetics (formerly Invitae), Labcorp
Classification: Uncertain significance. Last evaluated: 2024-04-18. Review status: criteria provided, single submitter. Criteria: Invitae Variant Classification Sherloc (09022015). Collection method: clinical testing. Allele origin: germline.
Comment: This sequence change affects codon 384 of the LZTR1 mRNA. It is a 'silent' change, meaning that it does not change the encoded amino acid sequence of the LZTR1 protein. It affects a nucleotide within the consensus splice site. This variant is not present in population databases (gnomAD no frequency). This variant has not been reported in the literature in individuals affected with LZTR1-related conditions. Algorithms developed to predict the effect of sequence changes on RNA splicing suggest that this variant is not likely to affect RNA splicing. In summary, the available evidence is currently insufficient to determine the role of this variant in disease. Therefore, it has been classified as a Variant of Uncertain Significance.